The following is an entry in ClinVar:

ClinVar aggregate classification (germline): Uncertain significance (1 of 4 stars; one submission).

Conditions:
Tatton-Brown-Rahman overgrowth syndrome. Also called: Tall stature-intellectual disability-facial dysmorphism syndrome; Tatton-Brown-Rahman syndrome. Identifiers: Orphanet 404443, MedGen C4014545, MONDO:0014382, OMIM 615879.

Allele frequency attached by ClinVar (database versions not stated): TOPMed below 0.00001; gnomAD 0.00001.

Submission:

Labcorp Genetics (formerly Invitae), Labcorp
Classification: Uncertain significance for Tatton-Brown-Rahman overgrowth syndrome. Last evaluated: 2024-01-06. Review status: criteria provided, single submitter. Criteria: Invitae Variant Classification Sherloc (09022015). Collection method: clinical testing. Allele origin: germline.
Comment: This sequence change replaces arginine, which is basic and polar, with tryptophan, which is neutral and slightly polar, at codon 604 of the DNMT3A protein (p.Arg604Trp). This variant is present in population databases (no rsID available, gnomAD 0.007%). This variant has not been reported in the literature in individuals affected with DNMT3A-related conditions. Advanced modeling of protein sequence and biophysical properties (such as structural, functional, and spatial information, amino acid conservation, physicochemical variation, residue mobility, and thermodynamic stability) has been performed at Invitae for this missense variant, however the output from this modeling did not meet the statistical confidence thresholds required to predict the impact of this variant on DNMT3A protein function. In summary, the available evidence is currently insufficient to determine the role of this variant in disease. Therefore, it has been classified as a Variant of Uncertain Significance.

NM_022552.5(DNMT3A):c.1810C>T (p.Arg604Trp)

Gene: DNMT3A (DNA methyltransferase 3 alpha; minus strand). Cytogenetic location: 2p23.3.
Variant type: single nucleotide variant.
Coding change: c.1810C>T on transcript NM_022552.5 (MANE Select); coding-DNA position 1810, C replaced by T.
Protein change: p.Arg604Trp; replaces arginine 604 with tryptophan.
Molecular consequence: missense variant. On other transcripts: non-coding transcript variant (1).
Genome position (GRCh38, 1-based): chr2:25,244,196, G>A on the plus strand (C>T on the coding strand, the complement: DNMT3A is on the minus strand). VCF-style: chr2-25244196-G-A. GRCh37 (hg19) VCF-style: chr2-25467065-G-A.
Other names: c.1354C>T, p.Arg452Trp (NM_001320893.1); c.1141C>T, p.Arg381Trp (NM_001375819.1); c.1243C>T, p.Arg415Trp (NM_153759.3); c.1810C>T, p.Arg604Trp (NM_175629.2); short protein forms R381W, R604W, R415W, R452W.
Identifiers: ClinVar variation 2873242 (VCV002873242.3), dbSNP rs1368287759, ClinGen allele CA346071739.
Genomic context (GRCh38, chr2:25,244,196, plus strand): 5'-CCCCAGGCCCAGCACTCACAAATTCCTGGTCGTGGTTATTAGCGAAGAACATCTGGAGCC[G>A]GGAGGGCCAGTCCTCTCGCCGCCGCAGCAGCCCGTAGGTACCCTTGTGCCCGCACATGTA-3'
Protein context (NP_072046.2, residues 594-614): LLRRREDWPS[Arg604Trp]LQMFFANNHD